The following is an entry in ClinVar:

ClinVar aggregate classification (germline): Benign/Likely benign. Review status: criteria provided, multiple submitters, no conflicts (2 of 4 stars). 4 submissions from 4 submitters: Benign (2); Likely benign (2). Last evaluated 2026-02-01.

Conditions:
Metaphyseal anadysplasia 2 (MANDP2). Also called: Metaphyseal anadysplasia 2, autosomal recessive. Identifiers: Orphanet 1040, MedGen C2751322, MONDO:0013113, OMIM 613073.

Allele frequency attached by ClinVar (database versions not stated): ESP Exome Variant Server 0.01684; gnomAD 0.02821 and 0.02828; 1000 Genomes Project 30x 0.03186; 1000 Genomes Project 0.03275; ExAC 0.03496; TOPMed 0.03518.
gnomAD v4.1: 42,678 of 1,613,788 alleles (2.6%); highest among the groups gnomAD compares: Admixed American, 14%; 1,152 homozygotes.

Submissions (4):

Labcorp Genetics (formerly Invitae), Labcorp
Classification: Benign. Last evaluated: 2026-02-01. Review status: criteria provided, single submitter. Criteria: Invitae Variant Classification Sherloc (09022015). Collection method: clinical testing. Allele origin: germline.

GeneDx
Classification: Benign. Last evaluated: 2019-02-06. Review status: criteria provided, single submitter. Criteria: GeneDx Variant Classification Process June 2021. Collection method: clinical testing. Allele origin: germline. Affected: yes.

Illumina Laboratory Services, Illumina
Classification: Likely benign for Metaphyseal anadysplasia 2. Last evaluated: 2017-04-27. Review status: criteria provided, single submitter. Criteria: ICSL Variant Classification Criteria 13 December 2019. Collection method: clinical testing. Allele origin: germline.
Comment: This variant was observed as part of a predisposition screen in an ostensibly healthy population. A literature search was performed for the gene, cDNA change, and amino acid change (where applicable). No publications were found based on this search. Allele frequency data from public databases allowed determination this variant is unlikely to cause disease. Therefore, this variant is classified as likely benign.

Breakthrough Genomics
Classification: Likely benign. Review status: criteria provided, single submitter. Criteria: ACMG Guidelines, 2015. Collection method: not provided. Allele origin: germline. Inheritance: Autosomal recessive inheritance. Affected: yes.

NM_004994.3(MMP9):c.59C>T (p.Ala20Val)

Gene: MMP9 (matrix metallopeptidase 9; plus strand). Cytogenetic location: 20q13.12.
Variant type: single nucleotide variant.
Coding change: c.59C>T on transcript NM_004994.3 (MANE Select); coding-DNA position 59, C replaced by T.
Protein change: p.Ala20Val; replaces alanine 20 with valine.
Molecular consequence: missense variant.
Genome position (GRCh38, 1-based): chr20:46,008,985, C>T. VCF-style: chr20-46008985-C-T. GRCh37 (hg19) VCF-style: chr20-44637624-C-T.
Other names: short protein forms A20V.
Identifiers: ClinVar variation 338546 (VCV000338546.16), dbSNP rs1805088, ClinGen allele CA9886307.
Genomic context (GRCh38, chr20:46,008,985, plus strand): 5'-CCATGAGCCTCTGGCAGCCCCTGGTCCTGGTGCTCCTGGTGCTGGGCTGCTGCTTTGCTG[C>T]CCCCAGACAGCGCCAGTCCACCCTTGTGCTCTTCCCTGGAGACCTGAGAACCAATCTCAC-3'
Protein context (NP_004985.2, residues 10-30): VLLVLGCCFA[Ala20Val]PRQRQSTLVL